The following is an entry in ClinVar:

ClinVar aggregate classification (germline): Uncertain significance (1 of 4 stars; one submission).

Conditions:
Aortic aneurysm, familial thoracic 4 (AAT4). Also called: AORTIC ANEURYSM/AORTIC DISSECTION AND PATENT DUCTUS ARTERIOSUS. Identifiers: MedGen C1851504, MONDO:0007568, OMIM 132900.

Submission:

Labcorp Genetics (formerly Invitae), Labcorp
Classification: Uncertain significance for Aortic aneurysm, familial thoracic 4. Last evaluated: 2025-07-03. Review status: criteria provided, single submitter. Criteria: Invitae Variant Classification Sherloc (09022015). Collection method: clinical testing. Allele origin: germline.
Comment: This sequence change replaces arginine, which is basic and polar, with leucine, which is neutral and non-polar, at codon 1794 of the MYH11 protein (p.Arg1794Leu). This variant is not present in population databases (gnomAD no frequency). This variant has not been reported in the literature in individuals affected with MYH11-related conditions. Invitae Evidence Modeling of protein sequence and biophysical properties (such as structural, functional, and spatial information, amino acid conservation, physicochemical variation, residue mobility, and thermodynamic stability) indicates that this missense variant is not expected to disrupt MYH11 protein function with a negative predictive value of 95%. In summary, the available evidence is currently insufficient to determine the role of this variant in disease. Therefore, it has been classified as a Variant of Uncertain Significance.

NM_002474.3(MYH11):c.5360G>T (p.Arg1787Leu)

Genes: MYH11 (myosin heavy chain 11; minus strand), NDE1 (nudE neurodevelopment protein 1; plus strand). Cytogenetic location: 16p13.11.
Variant type: single nucleotide variant.
Coding change: c.5360G>T on transcript NM_002474.3 (MANE Select); coding-DNA position 5360, G replaced by T.
Protein change: p.Arg1787Leu; replaces arginine 1787 with leucine.
Molecular consequence: missense variant. On other transcripts: intron variant (2).
Genome position (GRCh38, 1-based): chr16:15,717,284, C>A on the plus strand (G>T on the coding strand, the complement: MYH11 is on the minus strand). VCF-style: chr16-15717284-C-A. GRCh37 (hg19) VCF-style: chr16-15811141-C-A.
Other names: c.5381G>T, p.Arg1794Leu (NM_001040113.2, NM_001040114.2); c.5360G>T, p.Arg1787Leu (NM_022844.3); c.948-6907C>A (NM_001143979.2, NM_017668.3); short protein forms R1787L, R1794L.
Identifiers: ClinVar variation 4745864 (VCV004745864.1).